The following is an entry in ClinVar:

ClinVar aggregate classification (germline): Uncertain significance (1 of 4 stars; one submission).

gnomAD v4.1: 1 of 1,612,732 alleles (0.000062%); highest among the groups gnomAD compares: Non-Finnish European, 0.000085%; no homozygotes.

Submission:

Labcorp Genetics (formerly Invitae), Labcorp
Classification: Uncertain significance. Last evaluated: 2024-02-24. Review status: criteria provided, single submitter. Criteria: Invitae Variant Classification Sherloc (09022015). Collection method: clinical testing. Allele origin: germline.
Comment: This sequence change replaces valine, which is neutral and non-polar, with phenylalanine, which is neutral and non-polar, at codon 229 of the WHRN protein (p.Val229Phe). This variant is not present in population databases (gnomAD no frequency). This variant has not been reported in the literature in individuals affected with WHRN-related conditions. ClinVar contains an entry for this variant (Variation ID: 1367657). An algorithm developed to predict the effect of missense changes on protein structure and function (PolyPhen-2) suggests that this variant is likely to be disruptive. In summary, the available evidence is currently insufficient to determine the role of this variant in disease. Therefore, it has been classified as a Variant of Uncertain Significance.

NM_015404.4(WHRN):c.685G>T (p.Val229Phe)

Gene: WHRN (whirlin; minus strand). Cytogenetic location: 9q32.
Variant type: single nucleotide variant.
Coding change: c.685G>T on transcript NM_015404.4 (MANE Select); coding-DNA position 685, G replaced by T.
Protein change: p.Val229Phe; replaces valine 229 with phenylalanine.
Molecular consequence: missense variant. On other transcripts: 5 prime UTR variant (1).
Genome position (GRCh38, 1-based): chr9:114,478,705, C>A on the plus strand (G>T on the coding strand, the complement: WHRN is on the minus strand). VCF-style: chr9-114478705-C-A. GRCh37 (hg19) VCF-style: chr9-117240985-C-A.
Other names: c.-465G>T (NM_001083885.3); c.685G>T, p.Val229Phe (NM_001173425.2); short protein forms V229F.
Identifiers: ClinVar variation 1367657 (VCV001367657.8), dbSNP rs1199178665, ClinGen allele CA374622021.